The following is an entry in ClinVar:

ClinVar aggregate classification (germline): Pathogenic (1 of 4 stars; one submission).

Conditions:
Autosomal dominant hypocalcemia 1 (HYPOC1). Also called: HYPOCALCEMIA, FAMILIAL. Identifiers: MedGen C3715128, MONDO:0011013, OMIM 601198.
Familial hypocalciuric hypercalcemia (FHH). Also called: Familial benign hypercalcemia. Identifiers: Orphanet 405, MedGen C1809471, MONDO:0018458.

Submission:

Labcorp Genetics (formerly Invitae), Labcorp
Classification: Pathogenic for Familial hypocalciuric hypercalcemia; Autosomal dominant hypocalcemia 1. Last evaluated: 2024-01-11. Review status: criteria provided, single submitter. Criteria: Invitae Variant Classification Sherloc (09022015). Collection method: clinical testing. Allele origin: germline.
Comment: This sequence change creates a premature translational stop signal (p.Glu332Asnfs*3) in the CASR gene. It is expected to result in an absent or disrupted protein product. Loss-of-function variants in CASR are known to be pathogenic (PMID: 11807402, 14985373, 22422767). This variant is not present in population databases (gnomAD no frequency). This variant has not been reported in the literature in individuals affected with CASR-related conditions. For these reasons, this variant has been classified as Pathogenic.

Literature cited by the submitters: PubMed 11807402; PubMed 14985373; PubMed 22422767.

NM_000388.4(CASR):c.994del (p.Glu332fs)

Gene: CASR (calcium sensing receptor; plus strand). Cytogenetic location: 3q21.1.
Variant type: Deletion.
Coding change: c.994del on transcript NM_000388.4 (MANE Select); coding-DNA position 994, one base deleted (G; older notation c.994delG).
Protein change: p.Glu332fs; shifts the reading frame from glutamic acid 332.
Molecular consequence: frameshift variant.
Genome position (GRCh38, 1-based): chr3:122,262,029, G deleted; the last of 3 consecutive G bases (chr3:122,262,027-122,262,029); deleting any one gives the same sequence. VCF-style (leftmost placement, unchanged base first): chr3-122262026-CG-C. GRCh37 (hg19) VCF-style: chr3-121980873-CG-C.
Other names: c.994del, p.Glu332fs (NM_001178065.2); short protein forms E332fs.
Identifiers: ClinVar variation 2922036 (VCV002922036.3), dbSNP rs2473227575, ClinGen allele CA2740094564.